The following is an entry in ClinVar:

NM_207122.2(EXT2):c.1019T>A (p.Val340Asp)

Gene: EXT2 (exostosin glycosyltransferase 2; plus strand). Cytogenetic location: 11p11.2.
Variant type: single nucleotide variant.
Coding change: c.1019T>A on transcript NM_207122.2 (MANE Select); coding-DNA position 1019, T replaced by A.
Protein change: p.Val340Asp; replaces valine 340 with aspartic acid.
Molecular consequence: missense variant.
Genome position (GRCh38, 1-based): chr11:44,126,895, T>A. VCF-style: chr11-44126895-T-A. GRCh37 (hg19) VCF-style: chr11-44148445-T-A.
Other names: EXT2, VAL373ASP (rs371996957); c.1118T>A, p.Val373Asp (NM_000401.3); c.1019T>A, p.Val340Asp (NM_001178083.3, NM_001389628.1, NM_001389630.1); short protein forms V340D, V373D.
Identifiers: ClinVar variation 547989 (VCV000547989.13), dbSNP rs371996957, ClinGen allele CA5955078.

ClinVar aggregate classification (germline): Uncertain significance. Review status: criteria provided, multiple submitters, no conflicts (2 of 4 stars). 4 submissions from 4 submitters: Uncertain significance (3). 1 of the submissions does not count toward it. Last evaluated 2023-01-13.

Conditions:
Seizures-scoliosis-macrocephaly syndrome. Also called: Seizures, scoliosis, and macrocephaly syndrome; SEIZURES, SCOLIOSIS, AND MACROCEPHALY/MICROCEPHALY SYNDROME. Identifiers: Orphanet 466926, MedGen C4225248, MONDO:0014731, OMIM 616682.
Exostoses, multiple, type 2 (EXT2). Also called: EXOSTOSES, MULTIPLE, TYPE II; Hereditary Multiple Osteochondromatosis, Type II. Identifiers: Orphanet 321, MedGen C1851413, MONDO:0007586, OMIM 133701.

Allele frequency attached by ClinVar (database versions not stated): ExAC 0.00001; gnomAD exomes 0.00001; TOPMed 0.00001; ESP Exome Variant Server 0.00008.
gnomAD v4.1: 14 of 1,614,192 alleles (0.00087%); highest among the groups gnomAD compares: Non-Finnish European, 0.0012%; no homozygotes.

Submissions (4):

Labcorp Genetics (formerly Invitae), Labcorp
Classification: Uncertain significance for Exostoses, multiple, type 2. Last evaluated: 2023-01-13. Review status: criteria provided, single submitter. Criteria: Invitae Variant Classification Sherloc (09022015). Collection method: clinical testing. Allele origin: germline.
Comment: ClinVar contains an entry for this variant (Variation ID: 547989). In summary, the available evidence is currently insufficient to determine the role of this variant in disease. Therefore, it has been classified as a Variant of Uncertain Significance. Advanced modeling of protein sequence and biophysical properties (such as structural, functional, and spatial information, amino acid conservation, physicochemical variation, residue mobility, and thermodynamic stability) performed at Invitae indicates that this missense variant is expected to disrupt EXT2 protein function. This variant is also known as c.1118T>A (p.Val373Asp). This missense change has been observed in individual(s) with clinical features of autosomal recessive EXT2-related conditions (PMID: 30997052). It has also been observed to segregate with disease in related individuals. This variant is present in population databases (rs371996957, gnomAD 0.003%). This sequence change replaces valine, which is neutral and non-polar, with aspartic acid, which is acidic and polar, at codon 340 of the EXT2 protein (p.Val340Asp).

Illumina Laboratory Services, Illumina
Classification: Uncertain significance for Exostoses, multiple, type 2. Last evaluated: 2018-01-13. Review status: criteria provided, single submitter. Criteria: ICSL Variant Classification Criteria 13 December 2019. Collection method: clinical testing. Allele origin: germline.

Mayo Clinic Laboratories, Mayo Clinic
Classification: Uncertain significance for Seizures-scoliosis-macrocephaly syndrome. Last evaluated: 2017-07-24. Review status: criteria provided, single submitter. Criteria: ACMG Guidelines, 2015. Collection method: clinical testing. Allele origin: paternal.

OMIM
Classification: Pathogenic for SEIZURES, SCOLIOSIS, AND MACROCEPHALY SYNDROME. Last evaluated: 2019-08-02. Review status: no assertion criteria provided. Collection method: literature only. Allele origin: germline. Not counted in ClinVar's aggregate classification.

Literature cited by the submitters: PubMed 30997052 (cited by Labcorp Genetics (formerly Invitae), Labcorp and OMIM).